The following is an entry in ClinVar:

NM_001039591.3(USP9X):c.1679G>A (p.Arg560His)

Gene: USP9X (ubiquitin specific peptidase 9 X-linked; plus strand). Cytogenetic location: Xp11.4.
Variant type: single nucleotide variant.
Coding change: c.1679G>A on transcript NM_001039591.3 (MANE Select); coding-DNA position 1679, G replaced by A.
Protein change: p.Arg560His; replaces arginine 560 with histidine.
Molecular consequence: missense variant.
Genome position (GRCh38, 1-based): chrX:41,150,973, G>A. VCF-style: chrX-41150973-G-A. GRCh37 (hg19) VCF-style: chrX-41010226-G-A.
Other names: c.1679G>A, p.Arg560His (NM_001039590.3, NM_001410748.1, NM_001410749.1); short protein forms R560H.
Identifiers: ClinVar variation 3236008 (VCV003236008.1), dbSNP rs764607230, ClinGen allele CA10388463.
Genomic context (GRCh38, chrX:41,150,973, plus strand): 5'-TGTTTAAGGACCGTGATACACAAAAGATCCAATGGATAGATCGCTTTATAGAAGAACTTC[G>A]CACAAATGACAAATGGGTTATTCCCGCACTGAAACAAATTAGAGAAATTTGTAGTTTGTT-3'
Protein context (NP_001034680.2, residues 550-570): QWIDRFIEEL[Arg560His]TNDKWVIPAL

ClinVar aggregate classification (germline): Uncertain significance (1 of 4 stars; one submission).

Conditions:
Intellectual developmental disorder, X-linked 99. Also called: Intellectual disability, X-linked 99. Identifiers: Orphanet 777, MedGen C3806746, MONDO:0010487, OMIM 300919.

Allele frequency attached by ClinVar (database versions not stated): ExAC 0.00001; gnomAD 0.00001.
gnomAD v4.1: 1 of 1,205,765 alleles (0.000083%); no homozygotes.

Submission:

MVZ Medizinische Genetik Mainz
Classification: Uncertain significance for Intellectual developmental disorder, X-linked 99. Last evaluated: 2023-02-14. Review status: criteria provided, single submitter. Criteria: UK Practice Guidelines For Variant Classification V4 01 2020. Collection method: clinical testing. Allele origin: germline. Inheritance: Unknown mechanism. Affected: yes. Observed: 1 variant allele.
Comment: ACMG Criteria: PM2_SUP, PP2, PP3 (ACMG Version 3)